The following is an entry in ClinVar:

ClinVar aggregate classification (germline): Benign/Likely benign. Review status: criteria provided, multiple submitters, no conflicts (2 of 4 stars). 2 submissions from 2 submitters: Benign (1); Likely benign (1). Last evaluated 2026-07-09.

Conditions:
Rhabdoid tumor predisposition syndrome 2 (RTPS2). Identifiers: Orphanet 231108, Orphanet 69077, MedGen C2750074, MONDO:0013224, OMIM 613325.
Hereditary cancer-predisposing syndrome. Also called: Hereditary Cancer Syndrome; Hereditary neoplastic syndrome; Neoplastic Syndromes, Hereditary; Tumor predisposition. Identifiers: Orphanet 140162, MedGen C0027672, MeSH D009386, MONDO:0015356.

Submissions (2):

Myriad Genetics, Inc.
Classification: Benign for Rhabdoid tumor predisposition syndrome 2. Last evaluated: 2026-07-09. Review status: criteria provided, single submitter. Criteria: Myriad Autosomal Dominant, Autosomal Recessive and X-Linked Classification Criteria (2023). Collection method: clinical testing. Allele origin: unknown.
Comment: This variant is considered benign. This variant is a silent/synonymous amino acid change and it is not expected to impact splicing.

Ambry Genetics
Classification: Likely benign for Hereditary cancer-predisposing syndrome. Last evaluated: 2023-08-12. Review status: criteria provided, single submitter. Criteria: Ambry Variant Classification Scheme 2023. Collection method: clinical testing. Allele origin: germline.

NM_003072.5(SMARCA4):c.1191A>G (p.Arg397=)

Gene: SMARCA4 (SWI/SNF related BAF chromatin remodeling complex subunit ATPase 4; plus strand). Cytogenetic location: 19p13.2.
Variant type: single nucleotide variant.
Coding change: c.1191A>G on transcript NM_003072.5 (MANE Select); coding-DNA position 1191, A replaced by G.
Protein change: p.Arg397=; no amino-acid change (arginine 397 retained).
Molecular consequence: synonymous variant. On other transcripts: non-coding transcript variant (1).
Genome position (GRCh38, 1-based): chr19:10,989,389, A>G. VCF-style: chr19-10989389-A-G. GRCh37 (hg19) VCF-style: chr19-11100065-A-G.
Other names: c.1191A>G, p.Arg397= (NM_001128844.3, NM_001128845.2, NM_001128846.2 and 6 more transcripts).
Identifiers: ClinVar variation 2587139 (VCV002587139.3), dbSNP rs2145848776, ClinGen allele CA505489907.